The following is an entry in ClinVar:

NM_000439.5(PCSK1):c.1136C>G (p.Thr379Arg)

Genes: CAST (calpastatin; plus strand), PCSK1 (proprotein convertase subtilisin/kexin type 1; minus strand), LOC101929710 (uncharacterized LOC101929710; plus strand). Cytogenetic location: 5q15.
Variant type: single nucleotide variant.
Coding change: c.1136C>G on transcript NM_000439.5 (MANE Select); coding-DNA position 1136, C replaced by G.
Protein change: p.Thr379Arg; replaces threonine 379 with arginine.
Molecular consequence: missense variant. On other transcripts: intron variant (11).
Genome position (GRCh38, 1-based): chr5:96,408,283, G>C on the plus strand (C>G on the coding strand, the complement: PCSK1 is on the minus strand). VCF-style: chr5-96408283-G-C. GRCh37 (hg19) VCF-style: chr5-95743987-G-C.
Other names: c.995C>G, p.Thr332Arg (NM_001177875.2); c.-175+28631G>C (NM_001423254.1, NM_001423259.1, NM_001423255.1 and 6 more transcripts); c.-103+28631G>C (NM_001423253.1); c.-40+28631G>C (NM_001423258.1); short protein forms T332R, T379R.
Identifiers: ClinVar variation 3356078 (VCV003356078.1).

ClinVar aggregate classification (germline): Uncertain significance (0 of 4 stars; one submission).

Conditions:
PCSK1-related disorder. Also called: PCSK1-related condition.

Submission:

PreventionGenetics, part of Exact Sciences
Classification: Uncertain significance for PCSK1-related condition. Last evaluated: 2024-06-17. Review status: no assertion criteria provided. Collection method: clinical testing. Allele origin: germline.
Comment: The PCSK1 c.1136C>G variant is predicted to result in the amino acid substitution p.Thr379Arg. To our knowledge, this variant has not been reported in the literature or in a large population database, indicating this variant is rare. At this time, the clinical significance of this variant is uncertain due to the absence of conclusive functional and genetic evidence.